The following is an entry in ClinVar:

NM_006567.5(FARS2):c.772+3A>G

Gene: FARS2 (phenylalanyl-tRNA synthetase 2, mitochondrial; plus strand). Cytogenetic location: 6p25.1.
Variant type: single nucleotide variant.
Coding change: c.772+3A>G on transcript NM_006567.5 (MANE Select); 3 bases into the intron after coding-DNA position 772, A replaced by G.
Molecular consequence: intron variant.
Genome position (GRCh38, 1-based): chr6:5,404,704, A>G. VCF-style: chr6-5404704-A-G. GRCh37 (hg19) VCF-style: chr6-5404937-A-G.
Other names: c.772+3A>G (NM_001374878.1, NM_001318872.2, NM_001374877.1 and 5 more transcripts); c.76+3A>G (NM_001375260.1, NM_001375259.1).
Identifiers: ClinVar variation 4705297 (VCV004705297.1).

ClinVar aggregate classification (germline): Uncertain significance (1 of 4 stars; one submission).

Conditions:
Combined oxidative phosphorylation defect type 14. Also called: Combined oxidative phosphorylation deficiency 14. Identifiers: Orphanet 319519, MedGen C4755312, MONDO:0013986, OMIM 614946.

gnomAD v4.1: 1 of 1,583,684 alleles (0.000063%); highest among the groups gnomAD compares: Non-Finnish European, 0.000086%; no homozygotes.

Submission:

Labcorp Genetics (formerly Invitae), Labcorp
Classification: Uncertain significance for Combined oxidative phosphorylation defect type 14. Last evaluated: 2025-11-23. Review status: criteria provided, single submitter. Criteria: Invitae Variant Classification Sherloc (09022015). Collection method: clinical testing. Allele origin: germline.
Comment: This sequence change falls in intron 3 of the FARS2 gene. It does not directly change the encoded amino acid sequence of the FARS2 protein. It affects a nucleotide within the consensus splice site. This variant is present in population databases (rs770287901, gnomAD 0.0009%). This variant has not been reported in the literature in individuals affected with FARS2-related conditions. Variants that disrupt the consensus splice site are a relatively common cause of aberrant splicing (PMID: 17576681, 9536098). Algorithms developed to predict the effect of sequence changes on RNA splicing suggest that this variant is not likely to affect RNA splicing. In summary, the available evidence is currently insufficient to determine the role of this variant in disease. Therefore, it has been classified as a Variant of Uncertain Significance.

Literature cited by the submitters: PubMed 17576681; PubMed 9536098.